The following is an entry in ClinVar:

ClinVar aggregate classification (germline): Uncertain significance (1 of 4 stars; one submission).

Submission:

Labcorp Genetics (formerly Invitae), Labcorp
Classification: Uncertain significance. Last evaluated: 2025-11-10. Review status: criteria provided, single submitter. Criteria: Invitae Variant Classification Sherloc (09022015). Collection method: clinical testing. Allele origin: germline.
Comment: This sequence change falls in intron 7 of the CTU2 gene. It does not directly change the encoded amino acid sequence of the CTU2 protein. This variant is not present in population databases (gnomAD no frequency). This variant has not been reported in the literature in individuals affected with CTU2-related conditions. Experimental studies and prediction algorithms are not available or were not evaluated, and the effect of this variant on mRNA splicing is currently unknown. In summary, the available evidence is currently insufficient to determine the role of this variant in disease. Therefore, it has been classified as a Variant of Uncertain Significance.

NM_001012759.3(CTU2):c.737+20_737+21insTTCCCCGGGCCCTGACCGCCACTCATGCCCCCGAGAGCCCCCTTCCCCGGGCCCTGACCCCCACTCATGCCCCTGAGAGCCCCCCTTCCCCGGGCCCTGACCCCCACTCATACCCGAGAGCCCCCTTCCCCGGGCCCTGACCCCCACTCATACCCCTGAGAGCCCC

Gene: CTU2 (cytosolic thiouridylase subunit 2; plus strand). Cytogenetic location: 16q24.3.
Variant type: Microsatellite.
Coding change: c.737+20_737+21insTTCCCCGGGCCCTGACCGCCACTCATGCCCCCGAGAGCCCCCTTCCCCGGGCCCTGACCCCCACTCATGCCCCTGAGAGCCCCCCTTCCCCGGGCCCTGACCCCCACTCATACCCGAGAGCCCCCTTCCCCGGGCCCTGACCCCCACTCATACCCCTGAGAGCCCC on transcript NM_001012759.3 (MANE Select); bases 20 to 21 of the intron after coding-DNA position 737, TTCCCCGGGCCCTGACCGCCACTCATGCCCCCGAGAGCCCCCTTCCCCGGGCCCTGACCCCCACTCATGCCCCTGAGAGCCCCCCTTCCCCGGGCCCTGACCCCCACTCATACCCGAGAGCCCCCTTCCCCGGGCCCTGACCCCCACTCATACCCCTGAGAGCCCC inserted.
Molecular consequence: intron variant.
Genome position: GRCh38: chr16:88,712,922-88,712,925. GRCh37 (hg19), VCF-style position (the base before the change): chr16:88,779,329.
Other names: c.950+20_950+21insTTCCCCGGGCCCTGACCGCCACTCATGCCCCCGAGAGCCCCCTTCCCCGGGCCCTGACCCCCACTCATGCCCCTGAGAGCCCCCCTTCCCCGGGCCCTGACCCCCACTCATACCCGAGAGCCCCCTTCCCCGGGCCCTGACCCCCACTCATACCCCTGAGAGCCCC (NM_001318507.2); c.737+20_737+21insTTCCCCGGGCCCTGACCGCCACTCATGCCCCCGAGAGCCCCCTTCCCCGGGCCCTGACCCCCACTCATGCCCCTGAGAGCCCCCCTTCCCCGGGCCCTGACCCCCACTCATACCCGAGAGCCCCCTTCCCCGGGCCCTGACCCCCACTCATACCCCTGAGAGCCCC (NM_001012762.3); c.476+20_476+21insTTCCCCGGGCCCTGACCGCCACTCATGCCCCCGAGAGCCCCCTTCCCCGGGCCCTGACCCCCACTCATGCCCCTGAGAGCCCCCCTTCCCCGGGCCCTGACCCCCACTCATACCCGAGAGCCCCCTTCCCCGGGCCCTGACCCCCACTCATACCCCTGAGAGCCCC (NM_001318513.2).
Identifiers: ClinVar variation 4727268 (VCV004727268.1).